The following is an entry in ClinVar:

ClinVar aggregate classification (germline): Uncertain significance (1 of 4 stars; one submission).

Conditions:
Combined immunodeficiency due to LRBA deficiency. Also called: Common variable immunodeficiency 8, with autoimmunity. Identifiers: Orphanet 445018, MedGen C3553512, MONDO:0013863, OMIM 614700.

Allele frequency attached by ClinVar (database versions not stated): gnomAD exomes below 0.00001 and 0.00003; ExAC 0.00001; gnomAD 0.00002; TOPMed 0.00003.
gnomAD v4.1: 46 of 1,607,684 alleles (0.0029%); highest among the groups gnomAD compares: Non-Finnish European, 0.0037%; no homozygotes.

Submission:

Labcorp Genetics (formerly Invitae), Labcorp
Classification: Uncertain significance for Combined immunodeficiency due to LRBA deficiency. Last evaluated: 2022-01-17. Review status: criteria provided, single submitter. Criteria: Invitae Variant Classification Sherloc (09022015). Collection method: clinical testing. Allele origin: germline.
Comment: This sequence change replaces threonine, which is neutral and polar, with isoleucine, which is neutral and non-polar, at codon 782 of the LRBA protein (p.Thr782Ile). This variant is present in population databases (rs776922216, gnomAD 0.003%). This variant has not been reported in the literature in individuals affected with LRBA-related conditions. ClinVar contains an entry for this variant (Variation ID: 540382). Algorithms developed to predict the effect of missense changes on protein structure and function are either unavailable or do not agree on the potential impact of this missense change (SIFT: "Tolerated"; PolyPhen-2: "Probably Damaging"; Align-GVGD: "Class C0"). In summary, the available evidence is currently insufficient to determine the role of this variant in disease. Therefore, it has been classified as a Variant of Uncertain Significance.

NM_001364905.1(LRBA):c.2345C>T (p.Thr782Ile)

Gene: LRBA (LPS responsive beige-like anchor protein; minus strand). Cytogenetic location: 4q31.3.
Variant type: single nucleotide variant.
Coding change: c.2345C>T on transcript NM_001364905.1 (MANE Select); coding-DNA position 2345, C replaced by T.
Protein change: p.Thr782Ile; replaces threonine 782 with isoleucine.
Molecular consequence: missense variant.
Genome position (GRCh38, 1-based): chr4:150,871,367, G>A on the plus strand (C>T on the coding strand, the complement: LRBA is on the minus strand). VCF-style: chr4-150871367-G-A. GRCh37 (hg19) VCF-style: chr4-151792519-G-A.
Other names: c.2345C>T, p.Thr782Ile (NM_006726.5, NM_001199282.3, NM_001367550.1); short protein forms T782I.
Identifiers: ClinVar variation 540382 (VCV000540382.6), dbSNP rs776922216, ClinGen allele CA3103295.